The following is an entry in ClinVar:

ClinVar aggregate classification (germline): Likely benign. Review status: criteria provided, single submitter (1 of 4 stars). 2 submissions from 2 submitters: Likely benign (1). 1 of the submissions does not count toward it. Last evaluated 2025-10-03.

Conditions:
FGF9-related disorder. Also called: FGF9-related condition.

Allele frequency attached by ClinVar (database versions not stated): TOPMed 0.00019; gnomAD 0.00020 and 0.00023; ESP Exome Variant Server 0.00038.
gnomAD v4.1: 54 of 1,610,800 alleles (0.0034%); highest among the groups gnomAD compares: African/African-American, 0.063%; no homozygotes.

Submissions (2):

Labcorp Genetics (formerly Invitae), Labcorp
Classification: Likely benign. Last evaluated: 2025-10-03. Review status: criteria provided, single submitter. Criteria: Invitae Variant Classification Sherloc (09022015). Collection method: clinical testing. Allele origin: germline.

PreventionGenetics, part of Exact Sciences
Classification: Likely benign for FGF9-related condition. Last evaluated: 2019-10-28. Review status: no assertion criteria provided. Collection method: clinical testing. Allele origin: germline. Not counted in ClinVar's aggregate classification.
Comment: This variant is classified as likely benign based on ACMG/AMP sequence variant interpretation guidelines (Richards et al. 2015 PMID: 25741868, with internal and published modifications).

NM_002010.3(FGF9):c.279C>A (p.Gly93=)

Gene: FGF9 (fibroblast growth factor 9; plus strand). Cytogenetic location: 13q12.11.
Variant type: single nucleotide variant.
Coding change: c.279C>A on transcript NM_002010.3 (MANE Select); coding-DNA position 279, C replaced by A.
Protein change: p.Gly93=; no amino-acid change (glycine 93 retained).
Molecular consequence: synonymous variant.
Genome position (GRCh38, 1-based): chr13:21,681,043, C>A. VCF-style: chr13-21681043-C-A. GRCh37 (hg19) VCF-style: chr13-22255182-C-A.
Other names: c.279C>A (NM_002010.2).
Identifiers: ClinVar variation 1570655 (VCV001570655.10), dbSNP rs139857618, ClinGen allele CA6909461.